The following is an entry in ClinVar:

ClinVar aggregate classification (germline): Conflicting classifications of pathogenicity. Review status: criteria provided, conflicting classifications (1 of 4 stars). 3 submissions from 3 submitters: Likely pathogenic (1); Uncertain significance (2). Last evaluated 2025-11-12.

Conditions:
Marfan syndrome (MFS). Also called: FBN1-Related Marfan Syndrome; Marfan's syndrome; MARFAN SYNDROME, TYPE I; Marfan syndrome type 1; Marfan syndrome, classic. Identifiers: Orphanet 284963, Orphanet 558, MedGen C0024796, MONDO:0007947, OMIM 154700.
Familial thoracic aortic aneurysm and aortic dissection (TAAD). Also called: Thoracic aortic aneurysms and dissections. Identifiers: Orphanet 91387, MedGen C4707243, MONDO:0019625.

Allele frequency attached by ClinVar (database versions not stated): gnomAD 0.00001; TOPMed 0.00001; gnomAD exomes 0.00002.
gnomAD v4.1: 13 of 1,613,896 alleles (0.00081%); highest among the groups gnomAD compares: Admixed American, 0.005%; no homozygotes.

Submissions (3):

Labcorp Genetics (formerly Invitae), Labcorp
Classification: Likely pathogenic for Marfan syndrome; Familial thoracic aortic aneurysm and aortic dissection. Last evaluated: 2025-11-12. Review status: criteria provided, single submitter. Criteria: Invitae Variant Classification Sherloc (09022015). Collection method: clinical testing. Allele origin: germline.
Comment: This sequence change replaces arginine, which is basic and polar, with glutamine, which is neutral and polar, at codon 165 of the FBN1 protein (p.Arg165Gln). This variant is present in population databases (no rsID available, gnomAD 0.006%). This missense change has been observed in individuals with clinical features of FBN1-related conditions (internal data). ClinVar contains an entry for this variant (Variation ID: 807252). Invitae Evidence Modeling of protein sequence and biophysical properties (such as structural, functional, and spatial information, amino acid conservation, physicochemical variation, residue mobility, and thermodynamic stability) indicates that this missense variant is expected to disrupt FBN1 protein function with a positive predictive value of 95%. In summary, the currently available evidence indicates that the variant is pathogenic, but additional data are needed to prove that conclusively. Therefore, this variant has been classified as Likely Pathogenic.

Color Diagnostics, LLC DBA Color Health
Classification: Uncertain significance for Familial thoracic aortic aneurysm and aortic dissection. Last evaluated: 2024-10-29. Review status: criteria provided, single submitter. Criteria: ACMG Guidelines, 2015. Collection method: clinical testing. Allele origin: germline.
Comment: This missense variant replaces arginine with glutamine at codon 165 of the FBN1 protein. Computational prediction tool is inconclusive regarding the impact of this variant on protein structure and function. To our knowledge, functional studies have not been reported for this variant. This variant has not been reported in individuals affected with FBN1-related disorders in the literature. This variant has been identified in 4/251384 chromosomes in the general population by the Genome Aggregation Database (gnomAD). The available evidence is insufficient to determine the role of this variant in disease conclusively. Therefore, this variant is classified as a Variant of Uncertain Significance.

All of Us Research Program, National Institutes of Health
Classification: Uncertain significance for Marfan syndrome. Last evaluated: 2024-09-23. Review status: criteria provided, single submitter. Criteria: ACMG Guidelines, 2015. Collection method: clinical testing. Allele origin: germline. Inheritance: Autosomal dominant inheritance. Observed: 2 variant alleles, 2 heterozygotes.
Comment: This study involves interpretation of variants in research participants for the purpose of population health screening. Participant phenotype was not available at the time of variant classification. Additional details can be found in publication PMID: 35346344, PMCID: PMC8962531

NM_000138.5(FBN1):c.494G>A (p.Arg165Gln)

Gene: FBN1 (fibrillin 1; minus strand). Cytogenetic location: 15q21.1.
Variant type: single nucleotide variant.
Coding change: c.494G>A on transcript NM_000138.5 (MANE Select); coding-DNA position 494, G replaced by A.
Protein change: p.Arg165Gln; replaces arginine 165 with glutamine.
Molecular consequence: missense variant.
Genome position (GRCh38, 1-based): chr15:48,596,327, C>T on the plus strand (G>A on the coding strand, the complement: FBN1 is on the minus strand). VCF-style: chr15-48596327-C-T. GRCh37 (hg19) VCF-style: chr15-48888524-C-T.
Other names: short protein forms R165Q.
Identifiers: ClinVar variation 807252 (VCV000807252.21), dbSNP rs1060501079, ClinGen allele CA392446315.
Genomic context (GRCh38, chr15:48,596,327, plus strand): 5'-TTTTAAAAACCATTACCTCTTTCACACTGGGGTCCAGTAAATCCGTAAGTGCATGCACAT[C>T]GATTTGGGGCCACACACCTTCCTCCATTGAGACAGCCACTTTCACAAACAGCTGTAAAAT-3'
Protein context (NP_000129.3, residues 155-175): LNGGRCVAPN[Arg165Gln]CACTYGFTGP